The following is an entry in ClinVar:

ClinVar aggregate classification (germline): Benign. Review status: criteria provided, multiple submitters, no conflicts (2 of 4 stars). 8 submissions from 8 submitters: Benign (6). 2 of the submissions do not count toward it. Last evaluated 2026-02-03.

Conditions:
Hepatic methionine adenosyltransferase deficiency. Also called: MAT I/III DEFICIENCY; Isolated Persistent Hypermethioninemia; Methionine adenosyltransferase deficiency; Deficiency of methionine adenosyltransferase. Identifiers: Orphanet 168598, MedGen C0268621, MeSH C564683, MONDO:0009607, OMIM 250850.

Allele frequency attached by ClinVar (database versions not stated): gnomAD exomes 0.66659 and 0.72052; ESP Exome Variant Server 0.70703; gnomAD 0.73311 and 0.73830; ExAC 0.74412; TOPMed 0.74869; 1000 Genomes Project 30x 0.83791; 1000 Genomes Project 0.84046.
gnomAD v4.1: 1,072,382 of 1,589,642 alleles (67%); highest among the groups gnomAD compares: East Asian, 95%; 368,288 homozygotes.

Submissions (8):

Labcorp Genetics (formerly Invitae), Labcorp
Classification: Benign for Hepatic methionine adenosyltransferase deficiency. Last evaluated: 2026-02-03. Review status: criteria provided, single submitter. Criteria: Invitae Variant Classification Sherloc (09022015). Collection method: clinical testing. Allele origin: germline.

Illumina Laboratory Services, Illumina
Classification: Benign for Hepatic methionine adenosyltransferase deficiency. Last evaluated: 2018-01-13. Review status: criteria provided, single submitter. Criteria: ICSL Variant Classification Criteria 13 December 2019. Collection method: clinical testing. Allele origin: germline.
Comment: This variant was observed in the ICSL laboratory as part of a predisposition screen in an ostensibly healthy population. It had not been previously curated by ICSL or reported in the Human Gene Mutation Database (HGMD: prior to June 1st, 2018), and was therefore a candidate for classification through an automated scoring system. Utilizing variant allele frequency, disease prevalence and penetrance estimates, and inheritance mode, an automated score was calculated to assess if this variant is too frequent to cause the disease. Based on the score and internal cut-off values, a variant classified as benign is not then subjected to further curation. The score for this variant resulted in a classification of benign for this disease.

Eurofins Ntd Llc (ga)
Classification: Benign. Last evaluated: 2016-04-21. Review status: criteria provided, single submitter. Criteria: EGL Classification Definitions 2015. Collection method: clinical testing. Allele origin: germline. Observed: 4 variant alleles, 2 heterozygotes, 2 homozygotes.

GeneDx
Classification: Benign. Last evaluated: 2015-03-03. Review status: criteria provided, single submitter. Criteria: GeneDx Variant Classification Process June 2021. Collection method: clinical testing. Allele origin: germline. Affected: yes.

Breakthrough Genomics
Classification: Benign. Review status: criteria provided, single submitter. Criteria: ACMG Guidelines, 2015. Collection method: not provided. Allele origin: germline. Inheritance: Autosomal dominant inheritance. Affected: yes.

PreventionGenetics, part of Exact Sciences
Classification: Benign. Review status: criteria provided, single submitter. Criteria: ACMG Guidelines, 2015. Collection method: clinical testing. Allele origin: germline.

Diagnostic Laboratory, Department of Genetics, University Medical Center Groningen
Classification: Benign. Review status: no assertion criteria provided. Collection method: clinical testing. Allele origin: germline. Affected: yes. Study: VKGL Data-share Consensus. Not counted in ClinVar's aggregate classification.

Joint Genome Diagnostic Labs from Nijmegen and Maastricht, Radboudumc and MUMC+
Classification: Benign. Review status: no assertion criteria provided. Collection method: clinical testing. Allele origin: germline. Affected: yes. Study: VKGL Data-share Consensus. Not counted in ClinVar's aggregate classification.

NM_000429.3(MAT1A):c.882T>C (p.Ala294=)

Gene: MAT1A (methionine adenosyltransferase 1A; minus strand). Cytogenetic location: 10q22.3.
Variant type: single nucleotide variant.
Coding change: c.882T>C on transcript NM_000429.3 (MANE Select); coding-DNA position 882, T replaced by C.
Protein change: p.Ala294=; no amino-acid change (alanine 294 retained).
Molecular consequence: synonymous variant.
Genome position (GRCh38, 1-based): chr10:80,275,086, A>G on the plus strand (T>C on the coding strand, the complement: MAT1A is on the minus strand). VCF-style: chr10-80275086-A-G. GRCh37 (hg19) VCF-style: chr10-82034842-A-G.
Identifiers: ClinVar variation 256107 (VCV000256107.25), dbSNP rs10887711, ClinGen allele CA5576680.
Genomic context (GRCh38, chr10:80,275,086, plus strand): 5'-CACTCTCCGGCAGAGCCCTGCTTTCACCAGAGACTTGGCCACCCAGCGGGCAGCATATGC[A>G]GCTGAGCGGTCTACCTTGGTGTAGTCCTTCCCAGAGAAGGCCCCACCACCATGAGCCCCC-3'
Protein context (NP_000420.1, residues 284-304): GKDYTKVDRS[Ala294=]AYAARWVAKS